The following is an entry in ClinVar:

ClinVar aggregate classification (germline): Uncertain significance (1 of 4 stars; one submission).

Conditions:
Hereditary cancer-predisposing syndrome. Also called: Neoplastic Syndromes, Hereditary; Tumor predisposition; Hereditary neoplastic syndrome; Hereditary Cancer Syndrome. Identifiers: Orphanet 140162, MedGen C0027672, MeSH D009386, MONDO:0015356.

gnomAD v4.1: 5 of 1,602,988 alleles (0.00031%); highest among the groups gnomAD compares: Non-Finnish European, 0.00034%; no homozygotes.

Submission:

Ambry Genetics
Classification: Uncertain significance for Hereditary cancer-predisposing syndrome. Last evaluated: 2024-03-08. Review status: criteria provided, single submitter. Criteria: Ambry Variant Classification Scheme 2023. Collection method: clinical testing. Allele origin: germline.
Comment: The p.P526A variant (also known as c.1576C>G), located in coding exon 12 of the POT1 gene, results from a C to G substitution at nucleotide position 1576. The proline at codon 526 is replaced by alanine, an amino acid with highly similar properties. This amino acid position is conserved. In addition, this alteration is predicted to be tolerated by in silico analysis. Based on the available evidence, the clinical significance of this alteration remains unclear.

NM_015450.3(POT1):c.1576C>G (p.Pro526Ala)

Gene: POT1 (protection of telomeres 1; minus strand). Cytogenetic location: 7q31.33.
Variant type: single nucleotide variant.
Coding change: c.1576C>G on transcript NM_015450.3 (MANE Select); coding-DNA position 1576, C replaced by G.
Protein change: p.Pro526Ala; replaces proline 526 with alanine.
Molecular consequence: missense variant. On other transcripts: non-coding transcript variant (2).
Genome position (GRCh38, 1-based): chr7:124,829,272, G>C on the plus strand (C>G on the coding strand, the complement: POT1 is on the minus strand). VCF-style: chr7-124829272-G-C. GRCh37 (hg19) VCF-style: chr7-124469326-G-C.
Other names: c.1183C>G, p.Pro395Ala (NM_001042594.2); short protein forms P395A, P526A.
Identifiers: ClinVar variation 3226661 (VCV003226661.1), dbSNP rs1794703492, ClinGen allele CA369064372.